The following is an entry in ClinVar:

NM_003489.4(NRIP1):c.2375C>T (p.Ala792Val)

Gene: NRIP1 (nuclear receptor interacting protein 1; minus strand). Cytogenetic location: 21q11.2.
Variant type: single nucleotide variant.
Coding change: c.2375C>T on transcript NM_003489.4 (MANE Select); coding-DNA position 2375, C replaced by T.
Protein change: p.Ala792Val; replaces alanine 792 with valine.
Molecular consequence: missense variant.
Genome position (GRCh38, 1-based): chr21:14,965,818, G>A on the plus strand (C>T on the coding strand, the complement: NRIP1 is on the minus strand). VCF-style: chr21-14965818-G-A. GRCh37 (hg19) VCF-style: chr21-16338139-G-A.
Other names: c.2375C>T (NM_003489.3); short protein forms A792V.
Identifiers: ClinVar variation 2072642 (VCV002072642.7), dbSNP rs61755059, ClinGen allele CA9981156.
Genomic context (GRCh38, chr21:14,965,818, plus strand): 5'-GAAAAATCCTGAGGTGAAACAGGCTCCGATTTAAAGTCTTCGGACACTGGTAAGGCAGGT[G>A]CGCTTCTCTGCACAGCAGGAGCCATACCCAAGAATGGGGCACTCTTAGCATCATGGCTCA-3'
Protein context (NP_003480.2, residues 782-802): LGMAPAVQRS[Ala792Val]PALPVSEDFK

ClinVar aggregate classification (germline): Conflicting classifications of pathogenicity. Review status: criteria provided, conflicting classifications (1 of 4 stars). 3 submissions from 3 submitters: Uncertain significance (2); Likely benign (1). Last evaluated 2026-02-09.

Conditions:
NRIP1-related disorder. Also called: NRIP1-related condition.
Inborn genetic diseases. Identifiers: MedGen C0950123, MeSH D030342.

Allele frequency attached by ClinVar (database versions not stated): 1000 Genomes Project 30x 0.00016; 1000 Genomes Project 0.00020; ExAC 0.00022; gnomAD 0.00023; TOPMed 0.00024; gnomAD exomes 0.00045.
gnomAD v4.1: 694 of 1,613,948 alleles (0.043%); highest among the groups gnomAD compares: Non-Finnish European, 0.054%; 1 homozygote.

Submissions (3):

PreventionGenetics, part of Exact Sciences
Classification: Likely benign for NRIP1-related condition. Last evaluated: 2026-02-09. Review status: criteria provided, single submitter. Criteria: ACMG Guidelines, 2015. Collection method: clinical testing. Allele origin: germline.
Comment: This variant is classified as likely benign based on ACMG/AMP sequence variant interpretation guidelines (Richards et al. 2015 PMID: 25741868, with internal and published modifications).

Labcorp Genetics (formerly Invitae), Labcorp
Classification: Uncertain significance. Last evaluated: 2025-07-30. Review status: criteria provided, single submitter. Criteria: Invitae Variant Classification Sherloc (09022015). Collection method: clinical testing. Allele origin: germline.
Comment: This sequence change replaces alanine, which is neutral and non-polar, with valine, which is neutral and non-polar, at codon 792 of the NRIP1 protein (p.Ala792Val). This variant is present in population databases (rs61755059, gnomAD 0.05%). This variant has not been reported in the literature in individuals affected with NRIP1-related conditions. ClinVar contains an entry for this variant (Variation ID: 2072642). An algorithm developed to predict the effect of missense changes on protein structure and function (PolyPhen-2) suggests that this variant is likely to be tolerated. In summary, the available evidence is currently insufficient to determine the role of this variant in disease. Therefore, it has been classified as a Variant of Uncertain Significance.

Ambry Genetics
Classification: Uncertain significance for Inborn genetic diseases. Last evaluated: 2024-06-17. Review status: criteria provided, single submitter. Criteria: Ambry Variant Classification Scheme 2023. Collection method: clinical testing. Allele origin: germline.